The following is an entry in ClinVar:

NM_005032.7(PLS3):c.1246G>A (p.Val416Ile)

Gene: PLS3 (plastin 3; plus strand). Cytogenetic location: Xq23.
Variant type: single nucleotide variant.
Coding change: c.1246G>A on transcript NM_005032.7 (MANE Select); coding-DNA position 1246, G replaced by A.
Protein change: p.Val416Ile; replaces valine 416 with isoleucine.
Molecular consequence: missense variant.
Genome position (GRCh38, 1-based): chrX:115,645,083, G>A. VCF-style: chrX-115645083-G-A. GRCh37 (hg19) VCF-style: chrX-114879403-G-A.
Other names: c.1246G>A (NM_005032.5); c.1246G>A, p.Val416Ile (NM_001136025.5, NM_001440791.1, NM_001440792.1); c.1165G>A, p.Val389Ile (NM_001172335.3); c.1207G>A, p.Val403Ile (NM_001282337.2); c.1111G>A, p.Val371Ile (NM_001282338.2); short protein forms V389I, V403I, V416I, V371I.
Identifiers: ClinVar variation 4741920 (VCV004741920.2).

ClinVar aggregate classification (germline): Uncertain significance. Review status: criteria provided, multiple submitters, no conflicts (2 of 4 stars). 2 submissions from 2 submitters: Uncertain significance (2). Last evaluated 2026-01-21.

Conditions:
Inborn genetic diseases. Identifiers: MedGen C0950123, MeSH D030342.

Submissions (2):

Ambry Genetics
Classification: Uncertain significance for Inborn genetic diseases. Last evaluated: 2026-01-21. Review status: criteria provided, single submitter. Criteria: Ambry Variant Classification Scheme 2023. Collection method: clinical testing. Allele origin: germline.

Labcorp Genetics (formerly Invitae), Labcorp
Classification: Uncertain significance. Last evaluated: 2025-05-14. Review status: criteria provided, single submitter. Criteria: Invitae Variant Classification Sherloc (09022015). Collection method: clinical testing. Allele origin: germline.
Comment: This sequence change replaces valine, which is neutral and non-polar, with isoleucine, which is neutral and non-polar, at codon 416 of the PLS3 protein (p.Val416Ile). This variant is not present in population databases (gnomAD no frequency). This variant has not been reported in the literature in individuals affected with PLS3-related conditions. An algorithm developed to predict the effect of missense changes on protein structure and function (PolyPhen-2) suggests that this variant is likely to be disruptive. In summary, the available evidence is currently insufficient to determine the role of this variant in disease. Therefore, it has been classified as a Variant of Uncertain Significance.